The following is an entry in ClinVar:

NM_032119.4(ADGRV1):c.14721T>C (p.Val4907=)

Gene: ADGRV1 (adhesion G protein-coupled receptor V1; plus strand). Cytogenetic location: 5q14.3.
Variant type: single nucleotide variant.
Coding change: c.14721T>C on transcript NM_032119.4 (MANE Select); coding-DNA position 14721, T replaced by C.
Protein change: p.Val4907=; no amino-acid change (valine 4907 retained).
Molecular consequence: synonymous variant. On other transcripts: non-coding transcript variant (1).
Genome position (GRCh38, 1-based): chr5:90,805,343, T>C. VCF-style: chr5-90805343-T-C. GRCh37 (hg19) VCF-style: chr5-90101160-T-C.
Other names: c.14721T>C (NM_032119.3).
Identifiers: ClinVar variation 1093199 (VCV001093199.10), dbSNP rs1269138995, ClinGen allele CA445416595.
Genomic context (GRCh38, chr5:90,805,343, plus strand): 5'-GGTCGGATTTGAATCCACTGCTTTTCAACTCATGAACATCACTGCTGGCACAAGCCACGT[T>C]ATGATTTCTAGGAGAGGCACATATGGAGCTCTCTCGGTTGCCTGGACCACTGGATATGCT-3'
Protein context (NP_115495.3, residues 4897-4917): LMNITAGTSH[Val4907=]MISRRGTYGA

ClinVar aggregate classification (germline): Likely benign. Review status: criteria provided, multiple submitters, no conflicts (2 of 4 stars). 2 submissions from 2 submitters: Likely benign (2). Last evaluated 2026-06-04.

Conditions:
ADGRV1-related disorder. Also called: ADGRV1-related condition; ADGRV1-related disorders.

Allele frequency attached by ClinVar (database versions not stated): gnomAD exomes below 0.00001; gnomAD 0.00001; TOPMed 0.00001.
gnomAD v4.1: 3 of 1,612,950 alleles (0.00019%); highest among the groups gnomAD compares: African/African-American, 0.004%; no homozygotes.

Submissions (2):

PreventionGenetics, part of Exact Sciences
Classification: Likely benign for ADGRV1-related condition. Last evaluated: 2026-06-04. Review status: criteria provided, single submitter. Criteria: ACMG Guidelines, 2015. Collection method: clinical testing. Allele origin: germline.
Comment: This variant is classified as likely benign based on ACMG/AMP sequence variant interpretation guidelines (Richards et al. 2015 PMID: 25741868, with internal and published modifications).

Labcorp Genetics (formerly Invitae), Labcorp
Classification: Likely benign. Last evaluated: 2024-03-11. Review status: criteria provided, single submitter. Criteria: Invitae Variant Classification Sherloc (09022015). Collection method: clinical testing. Allele origin: germline.